The following is an entry in ClinVar:

NM_001378454.1(ALMS1):c.4907C>T (p.Pro1636Leu)

Gene: ALMS1 (ALMS1 centrosome and basal body associated protein; plus strand). Cytogenetic location: 2p13.1.
Variant type: single nucleotide variant.
Coding change: c.4907C>T on transcript NM_001378454.1 (MANE Select); coding-DNA position 4907, C replaced by T.
Protein change: p.Pro1636Leu; replaces proline 1636 with leucine.
Molecular consequence: missense variant.
Genome position (GRCh38, 1-based): chr2:73,451,434, C>T. VCF-style: chr2-73451434-C-T. GRCh37 (hg19) VCF-style: chr2-73678561-C-T.
Other names: c.4910C>T, p.Pro1637Leu (NM_015120.4); short protein forms P1636L, P1637L.
Identifiers: ClinVar variation 1401768 (VCV001401768.4), dbSNP rs775768298, ClinGen allele CA1713786.

ClinVar aggregate classification (germline): Conflicting classifications of pathogenicity. Review status: criteria provided, conflicting classifications (1 of 4 stars). 2 submissions from 2 submitters: Uncertain significance (1); Likely benign (1). Last evaluated 2026-06-10.

Conditions:
Cardiovascular phenotype. Identifiers: MedGen CN230736.
Alstrom syndrome (ALMS). Identifiers: Orphanet 64, MedGen C0268425, MONDO:0008763, OMIM 203800.

Allele frequency attached by ClinVar (database versions not stated): gnomAD exomes below 0.00001; TOPMed 0.00002; gnomAD 0.00003; ExAC 0.00002.
gnomAD v4.1: 6 of 1,611,664 alleles (0.00037%); highest among the groups gnomAD compares: African/African-American, 0.0067%; no homozygotes.

Submissions (2):

Ambry Genetics
Classification: Likely benign for Cardiovascular phenotype. Last evaluated: 2026-06-10. Review status: criteria provided, single submitter. Criteria: Ambry Variant Classification Scheme 2023. Collection method: clinical testing. Allele origin: germline.

Labcorp Genetics (formerly Invitae), Labcorp
Classification: Uncertain significance for Alstrom syndrome. Last evaluated: 2021-08-30. Review status: criteria provided, single submitter. Criteria: Invitae Variant Classification Sherloc (09022015). Collection method: clinical testing. Allele origin: germline.
Comment: This sequence change replaces proline with leucine at codon 1637 of the ALMS1 protein (p.Pro1637Leu). The proline residue is weakly conserved and there is a moderate physicochemical difference between proline and leucine. This variant is present in population databases (rs775768298, ExAC 0.02%). This variant has not been reported in the literature in individuals with ALMS1-related conditions. Experimental studies and prediction algorithms are not available or were not evaluated, and the functional significance of this variant is currently unknown. In summary, the available evidence is currently insufficient to determine the role of this variant in disease. Therefore, it has been classified as a Variant of Uncertain Significance.